The following is an entry in ClinVar:

NM_000061.3(BTK):c.1881_1882del (p.Thr628fs)

Gene: BTK (Bruton tyrosine kinase; minus strand). Cytogenetic location: Xq22.1.
Variant type: Microsatellite.
Coding change: c.1881_1882del on transcript NM_000061.3 (MANE Select); coding-DNA positions 1881 to 1882, 2 bases deleted (TA; older notation c.1881_1882delTA).
Protein change: p.Thr628fs; shifts the reading frame from threonine 628.
Molecular consequence: frameshift variant.
Genome position (GRCh38, 1-based): chrX:101,353,220-101,353,221, TA deleted on the plus strand (TA on the coding strand, the reverse complement: BTK is on the minus strand); deleting any 2 consecutive bases within chrX:101,353,220-101,353,225 gives the same sequence; the c. name uses the placement nearest the transcript's 3' end. VCF-style (leftmost placement, unchanged base first): chrX-101353219-GTA-G. GRCh37 (hg19) VCF-style: chrX-100608207-GTA-G.
Other names: c.1983_1984del, p.Thr662fs (NM_001287344.2); c.1353_1354del, p.Thr452fs (NM_001287345.2); short protein forms T628fs, T662fs, T452fs.
Identifiers: ClinVar variation 2138634 (VCV002138634.4), dbSNP rs2520527086, ClinGen allele CA2580612444.

ClinVar aggregate classification (germline): Pathogenic (1 of 4 stars; one submission).

Conditions:
X-linked agammaglobulinemia with growth hormone deficiency (IGHD3). Also called: FLEISHER SYNDROME; HYPOGAMMAGLOBULINEMIA AND ISOLATED GROWTH HORMONE DEFICIENCY, X-LINKED; IGHD III; AGAMMAGLOBULINEMIA AND ISOLATED GROWTH HORMONE DEFICIENCY, X-LINKED; Isolated growth hormone deficiency type 3; Growth hormone deficiency with hypogammaglobulinemia. Identifiers: Orphanet 231692, Orphanet 631, MedGen C0472813, MONDO:0010615, OMIM 307200.

Submission:

Labcorp Genetics (formerly Invitae), Labcorp
Classification: Pathogenic for X-linked agammaglobulinemia with growth hormone deficiency. Last evaluated: 2022-04-15. Review status: criteria provided, single submitter. Criteria: Invitae Variant Classification Sherloc (09022015). Collection method: clinical testing. Allele origin: germline.
Comment: This variant disrupts a region of the BTK protein in which other variant(s) (p.Leu647Phe) have been determined to be pathogenic (PMID: 26931785; Invitae). This suggests that this is a clinically significant region of the protein, and that variants that disrupt it are likely to be disease-causing. For these reasons, this variant has been classified as Pathogenic. Algorithms developed to predict the effect of sequence changes on RNA splicing suggest that this variant may disrupt the consensus splice site. This variant is also known as 2013_2014delTA. This premature translational stop signal has been observed in individual(s) with X-linked agammaglobulinemia (PMID: 27593100). This variant is not present in population databases (gnomAD no frequency). This sequence change creates a premature translational stop signal (p.Thr628Hisfs*8) in the BTK gene. While this is not anticipated to result in nonsense mediated decay, it is expected to disrupt the last 32 amino acid(s) of the BTK protein.

Literature cited by the submitters: PubMed 26931785; PubMed 27593100.